The following is an entry in ClinVar:

NM_001159699.2(FHL1):c.3G>A (p.Met1Ile)

Gene: FHL1 (four and a half LIM domains 1; plus strand). Cytogenetic location: Xq26.3.
Variant type: single nucleotide variant.
Coding change: c.3G>A on transcript NM_001159699.2 (MANE Select); coding-DNA position 3, G replaced by A.
Protein change: p.Met1Ile; changes the start codon (methionine 1).
Molecular consequence: missense variant, initiator codon variant. On other transcripts: intron variant (12).
Genome position (GRCh38, 1-based): chrX:136,197,115, G>A. VCF-style: chrX-136197115-G-A. GRCh37 (hg19) VCF-style: chrX-135279274-G-A.
Other names: c.3G>A, p.Met1Ile (NM_001330659.2); c.-26-9292G>A (NM_001159702.3, NM_001449.5, NM_001159703.2 and 8 more transcripts); c.61+252G>A (NM_001159701.2); short protein forms M1I.
Identifiers: ClinVar variation 1309712 (VCV001309712.3), dbSNP rs1421289849, ClinGen allele CA414607208.
Genomic context (GRCh38, chrX:136,197,115, plus strand): 5'-CAGCTGGGGTTGAGGGAAGACTGGTCTAGGTGCTGCTCCTGAACTTGGTCTCTGAGCCAT[G>A]GCTTCCCATAGACACTCAGGTAAAACTTCATGCTCTTTATCTTATATTGAGCACAGTTTT-3'
Protein context (NP_001153171.1, residues 1-11): [Met1Ile]ASHRHSGPSS

ClinVar aggregate classification (germline): Uncertain significance (1 of 4 stars; one submission).

Allele frequency attached by ClinVar (database versions not stated): gnomAD exomes 0.00001.

Submission:

GeneDx
Classification: Uncertain significance. Last evaluated: 2019-11-05. Review status: criteria provided, single submitter. Criteria: GeneDx Variant Classification Process June 2021. Collection method: clinical testing. Allele origin: germline. Affected: yes.
Comment: Has not been previously published as pathogenic or benign to our knowledge; Not observed at a significant frequency in large population cohorts (Lek et al., 2016); Initiation codon variant in a gene for which loss-of-function is not a known mechanism of disease